The following is an entry in ClinVar:

NM_000059.4(BRCA2):c.5700A>G (p.Ser1900=)

Gene: BRCA2 (BRCA2 DNA repair associated; plus strand). Cytogenetic location: 13q13.1.
Variant type: single nucleotide variant.
Coding change: c.5700A>G on transcript NM_000059.4 (MANE Select); coding-DNA position 5700, A replaced by G.
Protein change: p.Ser1900=; no amino-acid change (serine 1900 retained).
Molecular consequence: synonymous variant.
Genome position (GRCh38, 1-based): chr13:32,340,055, A>G. VCF-style: chr13-32340055-A-G. GRCh37 (hg19) VCF-style: chr13-32914192-A-G.
Other names: p.S1900S:TCA>TCG.
Identifiers: ClinVar variation 182289 (VCV000182289.62), dbSNP rs730881591, ClinGen allele CA023004.

ClinVar aggregate classification (germline): Likely benign. Review status: reviewed by expert panel (3 of 4 stars). 10 submissions from 10 submitters: Likely benign (1). 9 of the submissions do not count toward it. Last evaluated 2017-06-29.

Conditions:
BRCA2-related disorder. Also called: BRCA2-related condition; BRCA2-related disorders. Identifiers: MedGen CN239275.
Hereditary cancer-predisposing syndrome. Also called: Tumor predisposition; Neoplastic Syndromes, Hereditary; Hereditary Cancer Syndrome; Hereditary neoplastic syndrome. Identifiers: Orphanet 140162, MedGen C0027672, MeSH D009386, MONDO:0015356.
Hereditary breast ovarian cancer syndrome. Also called: Hereditary breast and ovarian cancer; Hereditary breast and ovarian cancer syndrome (HBOC); Breast and ovarian cancer; Hereditary breast and/or ovarian cancer syndrome; BRCA1- and BRCA2-Associated Hereditary Breast and Ovarian Cancer; Hereditary breast and ovarian cancer syndrome. Identifiers: Orphanet 145, MedGen C0677776, MeSH D061325, MONDO:0003582. Disease mechanism: loss of function.
Breast-ovarian cancer, familial, susceptibility to, 2 (BROVCA2). Also called: BRCA2 Hereditary Breast and Ovarian Cancer. Identifiers: Orphanet 145, MedGen C2675520, MONDO:0012933, OMIM 612555. Disease mechanism: loss of function.

gnomAD v4.1: 1 of 1,613,806 alleles (0.000062%); highest among the groups gnomAD compares: Non-Finnish European, 0.000085%; no homozygotes.

Submissions (10):

Evidence-based Network for the Interpretation of Germline Mutant Alleles (ENIGMA)
Classification: Likely benign for Breast-ovarian cancer, familial, susceptibility to, 2. Last evaluated: 2017-06-29. Review status: reviewed by expert panel. Criteria: ENIGMA BRCA1/2 Classification Criteria (2017-06-29). Collection method: curation. Allele origin: germline.
Comment: Synonymous substitution variant, with low bioinformatic likelihood to result in a splicing aberration (Splicing prior probability 0.02).

Labcorp Genetics (formerly Invitae), Labcorp
Classification: Likely benign for Hereditary breast ovarian cancer syndrome. Last evaluated: 2025-10-02. Review status: criteria provided, single submitter. Criteria: Invitae Variant Classification Sherloc (09022015). Collection method: clinical testing. Allele origin: germline. Not counted in ClinVar's aggregate classification.

All of Us Research Program, National Institutes of Health
Classification: Likely benign for Breast-ovarian cancer, familial, susceptibility to, 2. Last evaluated: 2023-10-02. Review status: criteria provided, single submitter. Criteria: ACMG Guidelines, 2015. Collection method: clinical testing. Allele origin: germline. Inheritance: Autosomal dominant inheritance. Observed: 4 variant alleles, 4 heterozygotes. Not counted in ClinVar's aggregate classification.
Comment: This study involves interpretation of variants in research participants for the purpose of population health screening. Participant phenotype was not available at the time of variant classification. Additional details can be found in publication PMID: 35346344, PMCID: PMC8962531

Women's Health and Genetics/Laboratory Corporation of America, LabCorp
Classification: Likely benign. Last evaluated: 2022-03-21. Review status: criteria provided, single submitter. Criteria: LabCorp Variant Classification Summary - May 2015. Collection method: clinical testing. Allele origin: germline. Not counted in ClinVar's aggregate classification.

CeGaT Center for Human Genetics Tuebingen
Classification: Likely benign. Last evaluated: 2020-02-01. Review status: criteria provided, single submitter. Criteria: CeGaT Center For Human Genetics Tuebingen Variant Classification Criteria Version 2. Collection method: clinical testing. Allele origin: germline. Affected: yes. Observed: 1 variant allele. Not counted in ClinVar's aggregate classification.

Color Diagnostics, LLC DBA Color Health
Classification: Likely benign for Hereditary cancer-predisposing syndrome. Last evaluated: 2017-04-03. Review status: criteria provided, single submitter. Criteria: ACMG Guidelines, 2015. Collection method: clinical testing. Allele origin: germline. Not counted in ClinVar's aggregate classification.

Quest Diagnostics Nichols Institute San Juan Capistrano
Classification: Likely benign. Last evaluated: 2017-01-16. Review status: criteria provided, single submitter. Criteria: Quest Diagnostics criteria. Collection method: clinical testing. Allele origin: germline. Not counted in ClinVar's aggregate classification.

Ambry Genetics
Classification: Likely benign for Hereditary cancer-predisposing syndrome. Last evaluated: 2014-10-06. Review status: criteria provided, single submitter. Criteria: Ambry Variant Classification Scheme 2023. Collection method: clinical testing. Allele origin: germline. Not counted in ClinVar's aggregate classification.

GeneDx
Classification: Benign. Last evaluated: 2014-09-22. Review status: criteria provided, single submitter. Criteria: GeneDx Variant Classification (06012015). Collection method: clinical testing. Allele origin: germline. Affected: yes. Not counted in ClinVar's aggregate classification.
Comment: This variant is considered likely benign or benign based on one or more of the following criteria: it is a conservative change, it occurs at a poorly conserved position in the protein, it is predicted to be benign by multiple in silico algorithms, and/or has population frequency not consistent with disease.

PreventionGenetics, part of Exact Sciences
Classification: Likely benign for BRCA2-related condition. Last evaluated: 2022-11-28. Review status: no assertion criteria provided. Collection method: clinical testing. Allele origin: germline. Not counted in ClinVar's aggregate classification.
Comment: This variant is classified as likely benign based on ACMG/AMP sequence variant interpretation guidelines (Richards et al. 2015 PMID: 25741868, with internal and published modifications).